The following is an entry in ClinVar:

ClinVar aggregate classification (germline): Uncertain significance (1 of 4 stars; one submission).

Conditions:
Cardiovascular phenotype. Identifiers: MedGen CN230736.

Submission:

Ambry Genetics
Classification: Uncertain significance for Cardiovascular phenotype. Last evaluated: 2024-10-28. Review status: criteria provided, single submitter. Criteria: Ambry Variant Classification Scheme 2023. Collection method: clinical testing. Allele origin: germline.
Comment: The p.E2931G variant (also known as c.8792A>G), located in coding exon 25 of the TNXB gene, results from an A to G substitution at nucleotide position 8792. The glutamic acid at codon 2931 is replaced by glycine, an amino acid with similar properties. This amino acid position is conserved. In addition, this alteration is predicted to be tolerated by in silico analysis. Based on the available evidence, the clinical significance of this variant remains unclear.

NM_001365276.2(TNXB):c.8798A>G (p.Glu2933Gly)

Gene: TNXB (tenascin XB; minus strand). Cytogenetic location: 6p21.33.
Variant type: single nucleotide variant.
Coding change: c.8798A>G on transcript NM_001365276.2 (MANE Select); coding-DNA position 8798, A replaced by G.
Protein change: p.Glu2933Gly; replaces glutamic acid 2933 with glycine.
Molecular consequence: missense variant.
Genome position (GRCh38, 1-based): chr6:32,052,987, T>C on the plus strand (A>G on the coding strand, the complement: TNXB is on the minus strand). VCF-style: chr6-32052987-T-C. GRCh37 (hg19) VCF-style: chr6-32020764-T-C.
Other names: c.9539A>G, p.Glu3180Gly (NM_001428335.1); c.8792A>G, p.Glu2931Gly (NM_019105.8); short protein forms E2931G, E2933G, E3180G.
Identifiers: ClinVar variation 3459886 (VCV003459886.1).
Genomic context (GRCh38, chr6:32,052,987, plus strand): 5'-GGCTCCTCAGGGGGCTCCGGGGCCTCCGTGCTGGGTTCTGTGGGGGCGGGAGTTTCTTCC[T>C]CTGCAGCTGAGAAGAGGGGACAGAGAAGGTGAGGCAGCTTCCCTGGGGGATGTCCTTGGG-3'
Protein context (NP_001352205.1, residues 2923-2943): PISVIGVTAA[Glu2933Gly]EETPAPTEPS